The following is an entry in ClinVar:

ClinVar aggregate classification (germline): Uncertain significance. Review status: criteria provided, multiple submitters, no conflicts (2 of 4 stars). 9 submissions from 6 submitters: Uncertain significance (9). Last evaluated 2025-12-15.

Conditions:
Malignant hyperthermia, susceptibility to, 5 (MHS5). Also called: CACNA1S-Related Malignant Hyperthermia Susceptibility. Identifiers: Orphanet 423, MedGen C1866077, MONDO:0011163, OMIM 601887.
Thyrotoxic periodic paralysis, susceptibility to, 1 (TTPP1). Identifiers: Orphanet 79102, MedGen C2749982, MONDO:0008570, OMIM 188580.
Hypokalemic periodic paralysis, type 1. Also called: Hypokalemic Periodic Paralysis Type 1 (AD); HypoPP. Identifiers: Orphanet 681, MedGen C3714580, MONDO:0042979, OMIM 170400.
Inborn genetic diseases. Identifiers: MedGen C0950123, MeSH D030342.
Congenital myopathy 18. Also called: DIHYDROPYRIDINE RECEPTOR CONGENITAL MYOPATHY; DHPR CONGENITAL MYOPATHY; Myopathy, congenital, due to dihydropyridine receptor defect. Identifiers: MedGen C5830283, MONDO:0859514, OMIM 620246.

Allele frequency attached by ClinVar (database versions not stated): gnomAD exomes below 0.00001; gnomAD 0.00001; TOPMed 0.00001.
gnomAD v4.1: 35 of 1,613,830 alleles (0.0022%); highest among the groups gnomAD compares: Non-Finnish European, 0.003%; no homozygotes.

Submissions (9):

Ambry Genetics
Classification: Uncertain significance for Inborn genetic diseases. Last evaluated: 2025-12-15. Review status: criteria provided, single submitter. Criteria: Ambry Variant Classification Scheme 2023. Collection method: clinical testing. Allele origin: germline.

Labcorp Genetics (formerly Invitae), Labcorp
Classification: Uncertain significance for Hypokalemic periodic paralysis, type 1; Malignant hyperthermia, susceptibility to, 5. Last evaluated: 2025-07-20. Review status: criteria provided, single submitter. Criteria: Invitae Variant Classification Sherloc (09022015). Collection method: clinical testing. Allele origin: germline.
Comment: This sequence change replaces aspartic acid, which is acidic and polar, with glycine, which is neutral and non-polar, at codon 1382 of the CACNA1S protein (p.Asp1382Gly). This variant is present in population databases (no rsID available, gnomAD 0.0009%). This variant has not been reported in the literature in individuals affected with CACNA1S-related conditions. ClinVar contains an entry for this variant (Variation ID: 541037). Invitae Evidence Modeling of protein sequence and biophysical properties (such as structural, functional, and spatial information, amino acid conservation, physicochemical variation, residue mobility, and thermodynamic stability) has been performed for this missense variant. However, the output from this modeling did not meet the statistical confidence thresholds required to predict the impact of this variant on CACNA1S protein function. In summary, the available evidence is currently insufficient to determine the role of this variant in disease. Therefore, it has been classified as a Variant of Uncertain Significance.

Color Diagnostics, LLC DBA Color Health
Classification: Uncertain significance for Malignant hyperthermia, susceptibility to, 5. Last evaluated: 2025-06-09. Review status: criteria provided, single submitter. Criteria: ACMG Guidelines, 2015. Collection method: clinical testing. Allele origin: germline.
Comment: This missense variant replaces aspartic acid with glycine at codon 1382 of the CACNA1S protein. Computational prediction suggests that this variant may have deleterious impact on protein structure and function. To our knowledge, functional studies have not been reported for this variant. This variant has not been reported in individuals affected with CACNA1S-related disorders in the literature. This variant has been identified in 1/251484 chromosomes in the general population by the Genome Aggregation Database (gnomAD). The available evidence is insufficient to determine the role of this variant in disease conclusively. Therefore, this variant is classified as a Variant of Uncertain Significance.

GeneDx
Classification: Uncertain significance. Last evaluated: 2025-02-20. Review status: criteria provided, single submitter. Criteria: GeneDx Variant Classification Process June 2021. Collection method: clinical testing. Allele origin: germline. Affected: yes.
Comment: Not observed at significant frequency in large population cohorts (gnomAD); In silico analysis supports that this missense variant has a deleterious effect on protein structure/function; Has not been previously published as pathogenic or benign to our knowledge

All of Us Research Program, National Institutes of Health
Classification: Uncertain significance for Malignant hyperthermia, susceptibility to, 5. Last evaluated: 2024-08-06. Review status: criteria provided, single submitter. Criteria: ACMG Guidelines, 2015. Collection method: clinical testing. Allele origin: germline. Inheritance: Autosomal dominant inheritance. Observed: 2 variant alleles, 2 heterozygotes.
Comment: This study involves interpretation of variants in research participants for the purpose of population health screening. Participant phenotype was not available at the time of variant classification. Additional details can be found in publication PMID: 35346344, PMCID: PMC8962531

Genome-Nilou Lab
Classification: Uncertain significance for Malignant hyperthermia, susceptibility to, 5. Last evaluated: 2023-04-11. Review status: criteria provided, single submitter. Criteria: ACMG Guidelines, 2015. Collection method: clinical testing. Allele origin: germline. Affected: no.

Genome-Nilou Lab
Classification: Uncertain significance for Thyrotoxic periodic paralysis, susceptibility to, 1. Last evaluated: 2023-04-11. Review status: criteria provided, single submitter. Criteria: ACMG Guidelines, 2015. Collection method: clinical testing. Allele origin: germline. Affected: no.

Genome-Nilou Lab
Classification: Uncertain significance for Congenital myopathy 18. Last evaluated: 2023-04-11. Review status: criteria provided, single submitter. Criteria: ACMG Guidelines, 2015. Collection method: clinical testing. Allele origin: germline. Affected: no.

Genome-Nilou Lab
Classification: Uncertain significance for Hypokalemic periodic paralysis, type 1. Last evaluated: 2023-04-11. Review status: criteria provided, single submitter. Criteria: ACMG Guidelines, 2015. Collection method: clinical testing. Allele origin: germline. Affected: no.

NM_000069.3(CACNA1S):c.4145A>G (p.Asp1382Gly)

Gene: CACNA1S (calcium voltage-gated channel subunit alpha1 S; minus strand). Cytogenetic location: 1q32.1.
Variant type: single nucleotide variant.
Coding change: c.4145A>G on transcript NM_000069.3 (MANE Select); coding-DNA position 4145, A replaced by G.
Protein change: p.Asp1382Gly; replaces aspartic acid 1382 with glycine.
Molecular consequence: missense variant.
Genome position (GRCh38, 1-based): chr1:201,050,485, T>C on the plus strand (A>G on the coding strand, the complement: CACNA1S is on the minus strand). VCF-style: chr1-201050485-T-C. GRCh37 (hg19) VCF-style: chr1-201019613-T-C.
Other names: short protein forms D1382G.
Identifiers: ClinVar variation 541037 (VCV000541037.13), dbSNP rs1007920084, ClinGen allele CA36001304.
Genomic context (GRCh38, chr1:201,050,485, plus strand): 5'-AACTCATCCAGGTGATGAGGGCCCAGGATGGACCAGTCCCGGGTGAGGTAGTCAAAATTG[T>C]CCATGATGACAGCCACAAAGAGGTTGATGACCTGCAAGAGAAGAACCAAGGGGTCCCAAC-3'
Protein context (NP_000060.2, residues 1372-1392): VINLFVAVIM[Asp1382Gly]NFDYLTRDWS